The following is an entry in ClinVar:

NM_144573.4(NEXN):c.1878A>C (p.Glu626Asp)

Gene: NEXN (nexilin F-actin binding protein; plus strand). Cytogenetic location: 1p31.1.
Variant type: single nucleotide variant.
Coding change: c.1878A>C on transcript NM_144573.4 (MANE Select); coding-DNA position 1878, A replaced by C.
Protein change: p.Glu626Asp; replaces glutamic acid 626 with aspartic acid.
Molecular consequence: missense variant.
Genome position (GRCh38, 1-based): chr1:77,942,679, A>C. VCF-style: chr1-77942679-A-C. GRCh37 (hg19) VCF-style: chr1-78408364-A-C.
Other names: c.1686A>C, p.Glu562Asp (NM_001172309.2); short protein forms E562D, E626D.
Identifiers: ClinVar variation 3404571 (VCV003404571.1).

ClinVar aggregate classification (germline): Uncertain significance (1 of 4 stars; one submission).

Conditions:
Cardiovascular phenotype. Identifiers: MedGen CN230736.

Submission:

Ambry Genetics
Classification: Uncertain significance for Cardiovascular phenotype. Last evaluated: 2024-12-07. Review status: criteria provided, single submitter. Criteria: Ambry Variant Classification Scheme 2023. Collection method: clinical testing. Allele origin: germline.
Comment: The p.E626D variant (also known as c.1878A>C), located in coding exon 12 of the NEXN gene, results from an A to C substitution at nucleotide position 1878. The glutamic acid at codon 626 is replaced by aspartic acid, an amino acid with highly similar properties. This amino acid position is conserved. In addition, this alteration is predicted to be tolerated by in silico analysis. Based on the available evidence, the clinical significance of this variant remains unclear.